The following is an entry in ClinVar:

NM_002497.4(NEK2):c.220A>G (p.Ile74Val)

Gene: NEK2 (NIMA related kinase 2; minus strand). Cytogenetic location: 1q32.3.
Variant type: single nucleotide variant.
Coding change: c.220A>G on transcript NM_002497.4 (MANE Select); coding-DNA position 220, A replaced by G.
Protein change: p.Ile74Val; replaces isoleucine 74 with valine.
Molecular consequence: missense variant.
Genome position (GRCh38, 1-based): chr1:211,674,390, T>C on the plus strand (A>G on the coding strand, the complement: NEK2 is on the minus strand). VCF-style: chr1-211674390-T-C. GRCh37 (hg19) VCF-style: chr1-211847732-T-C.
Other names: c.220A>G, p.Ile74Val (NM_001204182.2, NM_001204183.2); short protein forms I74V.
Identifiers: ClinVar variation 1370865 (VCV001370865.6), dbSNP rs1655508077, ClinGen allele CA344785107.

ClinVar aggregate classification (germline): Uncertain significance (1 of 4 stars; one submission).

Allele frequency attached by ClinVar (database versions not stated): TOPMed below 0.00001; gnomAD 0.00001.
gnomAD v4.1: 1 of 1,614,068 alleles (0.000062%); no homozygotes.

Submission:

Labcorp Genetics (formerly Invitae), Labcorp
Classification: Uncertain significance. Last evaluated: 2021-07-29. Review status: criteria provided, single submitter. Criteria: Invitae Variant Classification Sherloc (09022015). Collection method: clinical testing. Allele origin: germline.
Comment: This variant is not present in population databases (ExAC no frequency). This variant has not been reported in the literature in individuals affected with NEK2-related conditions. Algorithms developed to predict the effect of missense changes on protein structure and function are either unavailable or do not agree on the potential impact of this missense change (SIFT: "Deleterious"; PolyPhen-2: "Benign"; Align-GVGD: "Class C0"). In summary, the available evidence is currently insufficient to determine the role of this variant in disease. Therefore, it has been classified as a Variant of Uncertain Significance. This sequence change replaces isoleucine with valine at codon 74 of the NEK2 protein (p.Ile74Val). The isoleucine residue is highly conserved and there is a small physicochemical difference between isoleucine and valine.